The following is an entry in ClinVar:

ClinVar aggregate classification (germline): Uncertain significance (1 of 4 stars; one submission).

Submission:

GeneDx
Classification: Uncertain significance. Last evaluated: 2025-04-01. Review status: criteria provided, single submitter. Criteria: GeneDx Variant Classification Process June 2021. Collection method: clinical testing. Allele origin: germline. Affected: yes.
Comment: Not observed at significant frequency in large population cohorts (gnomAD); In silico analysis supports that this missense variant has a deleterious effect on protein structure/function; Has not been previously published as pathogenic or benign to our knowledge

NM_020732.3:c.1298A>G

Gene: ARID1B (AT-rich interaction domain 1B; plus strand).
Variant type: single nucleotide variant.
Other names: c.1298A>G (NM_020732.3).
Identifiers: ClinVar variation 4278736 (VCV004278736.1).